The following is an entry in ClinVar:

ClinVar aggregate classification (germline): Likely benign. Review status: criteria provided, single submitter (1 of 4 stars). 2 submissions from 2 submitters: Likely benign (1). 1 of the submissions does not count toward it. Last evaluated 2025-06-10.

Conditions:
CTNNB1-related disorder. Also called: CTNNB1-related condition.

gnomAD v4.1: 1 of 1,614,078 alleles (0.000062%); highest among the groups gnomAD compares: Non-Finnish European, 0.000085%; no homozygotes.

Submissions (2):

Labcorp Genetics (formerly Invitae), Labcorp
Classification: Likely benign. Last evaluated: 2025-06-10. Review status: criteria provided, single submitter. Criteria: Invitae Variant Classification Sherloc (09022015). Collection method: clinical testing. Allele origin: germline.

PreventionGenetics, part of Exact Sciences
Classification: Likely benign for CTNNB1-related condition. Last evaluated: 2022-12-20. Review status: no assertion criteria provided. Collection method: clinical testing. Allele origin: germline. Not counted in ClinVar's aggregate classification.
Comment: This variant is classified as likely benign based on ACMG/AMP sequence variant interpretation guidelines (Richards et al. 2015 PMID: 25741868, with internal and published modifications).

NM_001904.4(CTNNB1):c.861C>T (p.Asn287=)

Gene: CTNNB1 (catenin beta 1; plus strand). Cytogenetic location: 3p22.1.
Variant type: single nucleotide variant.
Coding change: c.861C>T on transcript NM_001904.4 (MANE Select); coding-DNA position 861, C replaced by T.
Protein change: p.Asn287=; no amino-acid change (asparagine 287 retained).
Molecular consequence: synonymous variant.
Genome position (GRCh38, 1-based): chr3:41,225,786, C>T. VCF-style: chr3-41225786-C-T. GRCh37 (hg19) VCF-style: chr3-41267277-C-T.
Other names: c.861C>T, p.Asn287= (NM_001098209.2, NM_001098210.2); c.840C>T, p.Asn280= (NM_001330729.2).
Identifiers: ClinVar variation 3048873 (VCV003048873.3), dbSNP rs2470790215, ClinGen allele CA433186934.